The following is an entry in ClinVar:

NM_004380.3(CREBBP):c.5687_5692dup (p.Pro1897_Ser1898insLysPro)

Gene: CREBBP (CREB binding lysine acetyltransferase; minus strand). Cytogenetic location: 16p13.3.
Variant type: Duplication.
Coding change: c.5687_5692dup on transcript NM_004380.3 (MANE Select); coding-DNA positions 5687 to 5692, 6 bases duplicated (AGCCCA; older notation c.5687_5692dupAGCCCA).
Protein change: p.Pro1897_Ser1898insLysPro.
Molecular consequence: inframe insertion.
Genome position (GRCh38, 1-based): chr16:3,729,355-3,729,360, TGGGCT duplicated on the plus strand (AGCCCA on the coding strand, the reverse complement: CREBBP is on the minus strand). VCF-style (leftmost placement, unchanged base first): chr16-3729354-C-CTGGGCT. GRCh37 (hg19) VCF-style: chr16-3779355-C-CTGGGCT.
Other names: c.5573_5578dup, p.Pro1859_Ser1860insLysPro (NM_001079846.1).
Identifiers: ClinVar variation 3348709 (VCV003348709.1).

ClinVar aggregate classification (germline): Uncertain significance (0 of 4 stars; one submission).

Conditions:
CREBBP-related disorder. Also called: CREBBP-related condition; CREBBP-related disorders.

Submission:

PreventionGenetics, part of Exact Sciences
Classification: Uncertain significance for CREBBP-related condition. Last evaluated: 2024-03-23. Review status: no assertion criteria provided. Collection method: clinical testing. Allele origin: germline.
Comment: The CREBBP c.5687_5692dup6 variant is predicted to result in an in-frame duplication (p.Pro1897_Ser1898insLysPro). To our knowledge, this variant has not been reported in the literature or in a large population database, indicating this variant is rare. At this time, the clinical significance of this variant is uncertain due to the absence of conclusive functional and genetic evidence.